The following is an entry in ClinVar:

NM_000179.3(MSH6):c.4067_4071dup (p.Lys1358Ter)

Gene: MSH6 (mutS homolog 6; plus strand). Cytogenetic location: 2p16.3.
Variant type: Duplication.
Coding change: c.4067_4071dup on transcript NM_000179.3 (MANE Select); coding-DNA positions 4067 to 4071, 5 bases duplicated (TGATT; older notation c.4067_4071dupTGATT).
Protein change: p.Lys1358Ter; replaces lysine 1358 with a stop codon.
Molecular consequence: nonsense. On other transcripts: non-coding transcript variant (5), 3 prime UTR variant (5).
Genome position (GRCh38, 1-based): chr2:47,806,844-47,806,848, TGATT duplicated; duplicating any 5 consecutive bases within chr2:47,806,842-47,806,848 gives the same sequence; the c. name uses the placement nearest the transcript's 3' end. VCF-style (leftmost placement, unchanged base first): chr2-47806841-C-CTTTGA. GRCh37 (hg19) VCF-style: chr2-48033980-C-CTTTGA.
Other names: c.3770_3774dup, p.Lys1259Ter (NM_001406828.1, NM_001406830.1, NM_001406797.1 and 8 more transcripts); c.3161_3165dup, p.Lys1056Ter (NM_001406829.1, NM_001281493.2, NM_001281494.2 and 6 more transcripts); c.848_852dup, p.Lys285Ter (NM_001406831.1); c.914_918dup, p.Lys307Ter (NM_001406832.1); c.2012_2016dup, p.Lys673Ter (NM_001407362.1); c.3677_3681dup, p.Lys1228Ter (NM_001281492.2); c.4163_4167dup, p.Lys1390Ter (NM_001406795.1); c.4067_4071dup, p.Lys1358Ter (NM_001406796.1, NM_001406809.1); and 9 more; short protein forms K1360*, K1056*, K1070*, K1228*, K1259*, K673*, K1183*, K1332*.
Identifiers: ClinVar variation 2734255 (VCV002734255.3), dbSNP rs2530898260, ClinGen allele CA2697548145.

ClinVar aggregate classification (germline): Uncertain significance (1 of 4 stars; one submission).

Conditions:
Hereditary nonpolyposis colorectal neoplasms. Identifiers: MedGen C0009405, MeSH D003123.

Submission:

Labcorp Genetics (formerly Invitae), Labcorp
Classification: Uncertain significance for Hereditary nonpolyposis colorectal neoplasms. Last evaluated: 2023-06-22. Review status: criteria provided, single submitter. Criteria: Invitae Variant Classification Sherloc (09022015). Collection method: clinical testing. Allele origin: germline.
Comment: This sequence change creates a premature translational stop signal (p.Lys1358*) in the MSH6 gene. While this is not anticipated to result in nonsense mediated decay, it is expected to disrupt the last 3 amino acid(s) of the MSH6 protein. This variant is not present in population databases (gnomAD no frequency). This variant has not been reported in the literature in individuals affected with MSH6-related conditions. Experimental studies and prediction algorithms are not available or were not evaluated, and the functional significance of this variant is currently unknown. Algorithms developed to predict the effect of sequence changes on RNA splicing suggest that this variant may disrupt the consensus splice site. In summary, the available evidence is currently insufficient to determine the role of this variant in disease. Therefore, it has been classified as a Variant of Uncertain Significance.